The following is an entry in ClinVar:

ClinVar aggregate classification (germline): Uncertain significance. Review status: criteria provided, multiple submitters, no conflicts (2 of 4 stars). 3 submissions from 3 submitters: Uncertain significance (3). Last evaluated 2025-12-08.

Allele frequency attached by ClinVar (database versions not stated): gnomAD exomes below 0.00001.
gnomAD v4.1: 4 of 1,555,486 alleles (0.00026%); highest among the groups gnomAD compares: Non-Finnish European, 0.00035%; no homozygotes.

Submissions (3):

Labcorp Genetics (formerly Invitae), Labcorp
Classification: Uncertain significance. Last evaluated: 2025-12-08. Review status: criteria provided, single submitter. Criteria: Invitae Variant Classification Sherloc (09022015). Collection method: clinical testing. Allele origin: germline.
Comment: This sequence change replaces serine, which is neutral and polar, with arginine, which is basic and polar, at codon 16 of the SRP72 protein (p.Ser16Arg). This variant is not present in population databases (gnomAD no frequency). This variant has not been reported in the literature in individuals affected with SRP72-related conditions. ClinVar contains an entry for this variant (Variation ID: 2069673). Invitae Evidence Modeling of protein sequence and biophysical properties (such as structural, functional, and spatial information, amino acid conservation, physicochemical variation, residue mobility, and thermodynamic stability) indicates that this missense variant is not expected to disrupt SRP72 protein function with a negative predictive value of 80%. In summary, the available evidence is currently insufficient to determine the role of this variant in disease. Therefore, it has been classified as a Variant of Uncertain Significance.

Ambry Genetics
Classification: Uncertain significance. Last evaluated: 2025-07-12. Review status: criteria provided, single submitter. Criteria: Ambry Variant Classification Scheme 2023. Collection method: clinical testing. Allele origin: germline.
Comment: The p.S16R variant (also known as c.46A>C), located in coding exon 1 of the SRP72 gene, results from an A to C substitution at nucleotide position 46. The serine at codon 16 is replaced by arginine, an amino acid with dissimilar properties. This amino acid position is conserved. In addition, this alteration is predicted to be tolerated by in silico analysis. Based on the available evidence, the clinical significance of this variant remains unclear.

Blueprint Genetics
Classification: Uncertain significance. Last evaluated: 2024-05-31. Review status: criteria provided, single submitter. Criteria: ACMG Guidelines, 2015. Collection method: clinical testing. Allele origin: germline.

NM_006947.4(SRP72):c.46A>C (p.Ser16Arg)

Gene: SRP72 (signal recognition particle 72; plus strand). Cytogenetic location: 4q12.
Variant type: single nucleotide variant.
Coding change: c.46A>C on transcript NM_006947.4 (MANE Select); coding-DNA position 46, A replaced by C.
Protein change: p.Ser16Arg; replaces serine 16 with arginine.
Molecular consequence: missense variant. On other transcripts: non-coding transcript variant (1).
Genome position (GRCh38, 1-based): chr4:56,467,681, A>C. VCF-style: chr4-56467681-A-C. GRCh37 (hg19) VCF-style: chr4-57333847-A-C.
Other names: c.46A>C (NM_006947.3); c.46A>C, p.Ser16Arg (NM_001267722.2); short protein forms S16R.
Identifiers: ClinVar variation 2069673 (VCV002069673.6), dbSNP rs1289823827, ClinGen allele CA356995579.
Genomic context (GRCh38, chr4:56,467,681, plus strand): 5'-CTCGTCTCCTCCAAGATGGCGAGCGGCGGCAGCGGGGGGGTGTCAGTACCTGCGCTGTGG[A>C]GTGAAGTGAACCGGTATGGCCAGAACGGCGACTTCACGCGCGCTCTCAAGACCGTCAATA-3'
Protein context (NP_008878.3, residues 6-26): SGGVSVPALW[Ser16Arg]EVNRYGQNGD